The following is an entry in ClinVar:

ClinVar aggregate classification (germline): Pathogenic. Review status: criteria provided, multiple submitters, no conflicts (2 of 4 stars). 4 submissions from 4 submitters: Pathogenic (2). 2 of the submissions do not count toward it. Last evaluated 2022-06-07.

Conditions:
Hereditary fructosuria. Also called: ALDOB DEFICIENCY; ALDOLASE B DEFICIENCY; FRUCTOSE-1,6-BISPHOSPHATE ALDOLASE B DEFICIENCY; FRUCTOSE-1-PHOSPHATE ALDOLASE DEFICIENCY; FRUCTOSEMIA; Fructose intolerance. Identifiers: Orphanet 469, MedGen C0016751, MONDO:0009249, OMIM 229600, HP:0005973. Disease mechanism: loss of function.

Submissions (4):

Labcorp Genetics (formerly Invitae), Labcorp
Classification: Pathogenic for Hereditary fructosuria. Last evaluated: 2022-06-07. Review status: criteria provided, single submitter. Criteria: Invitae Variant Classification Sherloc (09022015). Collection method: clinical testing. Allele origin: germline.
Comment: This sequence change creates a premature translational stop signal (p.Trp148*) in the ALDOB gene. It is expected to result in an absent or disrupted protein product. Loss-of-function variants in ALDOB are known to be pathogenic (PMID: 18541450). This variant is not present in population databases (gnomAD no frequency). This premature translational stop signal has been observed in individual(s) with clinical features of hereditary fructose intolerance (PMID: 18541450). ClinVar contains an entry for this variant (Variation ID: 370966). For these reasons, this variant has been classified as Pathogenic.

Baylor Genetics
Classification: Pathogenic for Hereditary fructosuria. Last evaluated: 2022-03-14. Review status: criteria provided, single submitter. Criteria: ACMG Guidelines, 2015. Collection method: clinical testing. Allele origin: unknown.

ATS em Genética Clínica, Universidade Federal do Rio Grande do Sul
Classification: Likely pathogenic for Hereditary fructosuria. Last evaluated: 2021-03-18. Review status: no assertion criteria provided. Collection method: literature only. Allele origin: unknown. Affected: yes. Not counted in ClinVar's aggregate classification.

Counsyl
Classification: Likely pathogenic for Hereditary fructosuria. Last evaluated: 2016-05-24. Review status: no assertion criteria provided. Collection method: clinical testing. Allele origin: unknown. Not counted in ClinVar's aggregate classification.

Literature cited by the submitters: PubMed 18541450 (cited by 3 submitters).

NM_000035.4(ALDOB):c.444G>A (p.Trp148Ter)

Gene: ALDOB (aldolase, fructose-bisphosphate B; minus strand). Cytogenetic location: 9q31.1.
Variant type: single nucleotide variant.
Coding change: c.444G>A on transcript NM_000035.4 (MANE Select); coding-DNA position 444, G replaced by A.
Protein change: p.Trp148Ter; replaces tryptophan 148 with a stop codon.
Molecular consequence: nonsense.
Genome position (GRCh38, 1-based): chr9:101,427,578, C>T on the plus strand (G>A on the coding strand, the complement: ALDOB is on the minus strand). VCF-style: chr9-101427578-C-T. GRCh37 (hg19) VCF-style: chr9-104189860-C-T.
Other names: c.444G>A, p.Trp148Ter (LRG_1244t1); short protein forms W148*.
Identifiers: ClinVar variation 370966 (VCV000370966.10), dbSNP rs1057516902, ClinGen allele CA16041285.
Genomic context (GRCh38, chr9:101,427,578, plus strand): 5'-GGCGTTTTCCTGGATAGCGAGGCTGGATGGACACTGGTCGGCAATCCTCAGCACAGCACG[C>T]CACTTCCCAAAGTCAACACCATCTTTCTTGTACTGAGCACAGCGCTCTGAGAGGCCATCA-3'